The following is an entry in ClinVar:

NC_000020.10:g.(?_10385895)_(10394162_?)del

Gene: MKKS (MKKS centrosomal shuttling protein; minus strand). Cytogenetic location: 20p12.2.
Variant type: Deletion.
Identifiers: ClinVar variation 3248264 (VCV003248264.1).

ClinVar aggregate classification (germline): Pathogenic (1 of 4 stars; one submission).

Conditions:
Bardet-Biedl syndrome (BBS). Identifiers: Orphanet 110, MedGen C0752166, MONDO:0015229.
McKusick-Kaufman syndrome (MKKS). Also called: HYDROMETROCOLPOS SYNDROME; HYDROMETROCOLPOS, POSTAXIAL POLYDACTYLY, AND CONGENITAL HEART MALFORMATION. Identifiers: Orphanet 2473, MedGen C0948368, MONDO:0009367, OMIM 236700.

Submission:

Labcorp Genetics (formerly Invitae), Labcorp
Classification: Pathogenic for McKusick-Kaufman syndrome; Bardet-Biedl syndrome. Last evaluated: 2023-06-20. Review status: criteria provided, single submitter. Criteria: Invitae Variant Classification Sherloc (09022015). Collection method: clinical testing. Allele origin: unknown.
Comment: For these reasons, this variant has been classified as Pathogenic. This variant has not been reported in the literature in individuals affected with MKKS-related conditions. A gross deletion of the genomic region encompassing the full coding sequence of the MKKS gene has been identified. Loss-of-function variants in MKKS are known to be pathogenic (PMID: 11179009, 28761321, 30614526). The boundaries of this event are unknown as they extend beyond the assayed region for this gene and therefore may encompass additional genes.

Literature cited by the submitters: PubMed 11179009; PubMed 28761321; PubMed 30614526.